The following is an entry in ClinVar:

ClinVar aggregate classification (germline): Benign/Likely benign. Review status: criteria provided, multiple submitters, no conflicts (2 of 4 stars). 5 submissions from 5 submitters: Benign (2); Likely benign (3). Last evaluated 2026-02-02.

Conditions:
Isolated microphthalmia 5. Also called: Posterior Microphthalmia with Retinitis Pigmentosa, Foveoschisis, and Optic Disc Drusen. Identifiers: Orphanet 251279, MedGen C1970236, MONDO:0012605, OMIM 611040.

Allele frequency attached by ClinVar (database versions not stated): TOPMed 0.00376; 1000 Genomes Project 0.00319; 1000 Genomes Project 30x 0.00359; ESP Exome Variant Server 0.00508; gnomAD 0.00344.
gnomAD v4.1: 9,554 of 1,613,792 alleles (0.59%); highest among the groups gnomAD compares: Non-Finnish European, 0.73%; 31 homozygotes.

Submissions (5):

Labcorp Genetics (formerly Invitae), Labcorp
Classification: Likely benign for Isolated microphthalmia 5. Last evaluated: 2026-02-02. Review status: criteria provided, single submitter. Criteria: Invitae Variant Classification Sherloc (09022015). Collection method: clinical testing. Allele origin: germline.

CeGaT Center for Human Genetics Tuebingen
Classification: Likely benign. Last evaluated: 2025-06-01. Review status: criteria provided, single submitter. Criteria: CeGaT Center For Human Genetics Tuebingen Variant Classification Criteria Version 2. Collection method: clinical testing. Allele origin: germline. Affected: yes. Observed: 8 variant alleles.
Comment: C1QTNF5: BS2; MFRP: BP4, BS2

Blueprint Genetics
Classification: Likely benign. Last evaluated: 2024-11-20. Review status: criteria provided, single submitter. Criteria: ACMG Guidelines, 2015. Collection method: clinical testing. Allele origin: germline.

Eurofins Ntd Llc (ga)
Classification: Benign. Last evaluated: 2013-08-15. Review status: criteria provided, single submitter. Criteria: EGL Classification Definitions 2015. Collection method: clinical testing. Allele origin: germline. Observed: 2 variant alleles, 2 heterozygotes.

PreventionGenetics, part of Exact Sciences
Classification: Benign. Review status: criteria provided, single submitter. Criteria: ACMG Guidelines, 2015. Collection method: clinical testing. Allele origin: germline.

NM_031433.4(MFRP):c.629G>T (p.Gly210Val)

Genes: C1QTNF5 (C1q and TNF related 5; minus strand), MFRP (membrane frizzled-related protein; minus strand). Cytogenetic location: 11q23.3.
Variant type: single nucleotide variant.
Coding change: c.629G>T on transcript NM_031433.4 (MANE Select); coding-DNA position 629, G replaced by T.
Protein change: p.Gly210Val; replaces glycine 210 with valine.
Molecular consequence: missense variant. On other transcripts: 5 prime UTR variant (1).
Genome position (GRCh38, 1-based): chr11:119,345,432, C>A on the plus strand (G>T on the coding strand, the complement: MFRP is on the minus strand). VCF-style: chr11-119345432-C-A. GRCh37 (hg19) VCF-style: chr11-119216142-C-A.
Other names: c.-2008G>T (NM_015645.5); short protein forms G210V.
Identifiers: ClinVar variation 167296 (VCV000167296.53), dbSNP rs150902999, ClinGen allele CA017190.